The following is an entry in ClinVar:

ClinVar aggregate classification (germline): Pathogenic/Likely pathogenic. Review status: criteria provided, multiple submitters, no conflicts (2 of 4 stars). 5 submissions from 5 submitters: Pathogenic (2); Likely pathogenic (2). 1 of the submissions does not count toward it. Last evaluated 2025-08-12.

Conditions:
DGUOK-related disorder. Also called: DGUOK-related condition.
Progressive external ophthalmoplegia with mitochondrial DNA deletions, autosomal recessive 4. Also called: PROGRESSIVE EXTERNAL OPHTHALMOPLEGIA, AUTOSOMAL RECESSIVE 4; Adult-onset multiple mitochondrial DNA deletion syndrome due to DGUOK deficiency. Identifiers: Orphanet 329314, MedGen C4310733, MONDO:0014899, OMIM 617070.

Allele frequency attached by ClinVar (database versions not stated): ExAC 0.00002.

Submissions (5):

Labcorp Genetics (formerly Invitae), Labcorp
Classification: Pathogenic. Last evaluated: 2025-08-12. Review status: criteria provided, single submitter. Criteria: Invitae Variant Classification Sherloc (09022015). Collection method: clinical testing. Allele origin: germline.
Comment: This sequence change replaces glutamic acid, which is acidic and polar, with lysine, which is basic and polar, at codon 44 of the DGUOK protein (p.Glu44Lys). This variant is present in population databases (rs762550967, gnomAD 0.007%). This missense change has been observed in individuals with mitochondrial DNA depletion syndrome (PMID: 19125351, 23043144, 24423689, 28493820, 30589726). It has also been observed to segregate with disease in related individuals. ClinVar contains an entry for this variant (Variation ID: 253066). Invitae Evidence Modeling of protein sequence and biophysical properties (such as structural, functional, and spatial information, amino acid conservation, physicochemical variation, residue mobility, and thermodynamic stability) indicates that this missense variant is expected to disrupt DGUOK protein function with a positive predictive value of 95%. For these reasons, this variant has been classified as Pathogenic.

CeGaT Center for Human Genetics Tuebingen
Classification: Likely pathogenic. Last evaluated: 2025-03-01. Review status: criteria provided, single submitter. Criteria: CeGaT Center For Human Genetics Tuebingen Variant Classification Criteria Version 2. Collection method: clinical testing. Allele origin: germline. Affected: yes. Observed: 1 variant allele.
Comment: DGUOK: PM3:Strong, PM2, PP3, PP4

PreventionGenetics, part of Exact Sciences
Classification: Pathogenic for DGUOK-related condition. Last evaluated: 2025-02-03. Review status: criteria provided, single submitter. Criteria: ACMG Guidelines, 2015. Collection method: clinical testing. Allele origin: germline.
Comment: The DGUOK c.130G>A variant is predicted to result in the amino acid substitution p.Glu44Lys. This variant has been reported in the homozygous state or with a second DGUOK variant in multiple individuals with mitochondrial DNA depletion syndrome; the majority of patients presented with liver involvement (Spinazzola et al 2009. PubMed ID: 19125351; Sezer T et al 2014. PubMed ID: 24423689; Ünal Ö et al 2017. PubMed ID: 28493820; Waich S et al 2019. PubMed ID: 30589726; Doğulu et al. 2021. PubMed ID: 34167177). This variant is reported in 0.0065% of alleles in individuals of South Asian descent in gnomAD (6 of ~244,000 total alleles in gnomAD). Taken together, this variant is interpreted as pathogenic.

Revvity Omics, Revvity
Classification: Likely pathogenic. Last evaluated: 2019-10-18. Review status: criteria provided, single submitter. Criteria: ACMG Guidelines, 2015. Collection method: clinical testing. Allele origin: germline.

OMIM
Classification: Pathogenic for PROGRESSIVE EXTERNAL OPHTHALMOPLEGIA WITH MITOCHONDRIAL DNA DELETIONS, AUTOSOMAL RECESSIVE 4. Last evaluated: 2016-08-18. Review status: no assertion criteria provided. Collection method: literature only. Allele origin: germline. Not counted in ClinVar's aggregate classification.

Literature cited by the submitters: PubMed 19125351 (cited by Labcorp Genetics (formerly Invitae), Labcorp); PubMed 23043144 (cited by Labcorp Genetics (formerly Invitae), Labcorp and OMIM); PubMed 24423689 (cited by Labcorp Genetics (formerly Invitae), Labcorp); PubMed 28493820 (cited by Labcorp Genetics (formerly Invitae), Labcorp); PubMed 30589726 (cited by Labcorp Genetics (formerly Invitae), Labcorp).

NM_080916.3(DGUOK):c.130G>A (p.Glu44Lys)

Genes: DGUOK (deoxyguanosine kinase; plus strand), LOC129934096 (ATAC-STARR-seq lymphoblastoid active region 16036; plus strand). Cytogenetic location: 2p13.1.
Variant type: single nucleotide variant.
Coding change: c.130G>A on transcript NM_080916.3 (MANE Select); coding-DNA position 130, G replaced by A.
Protein change: p.Glu44Lys; replaces glutamic acid 44 with lysine.
Molecular consequence: missense variant. On other transcripts: 5 prime UTR variant (4), non-coding transcript variant (6).
Genome position (GRCh38, 1-based): chr2:73,927,040, G>A. VCF-style: chr2-73927040-G-A. GRCh37 (hg19) VCF-style: chr2-74154167-G-A.
Other names: c.130G>A, p.Glu44Lys (NM_001318859.2, NM_080918.3); c.-49G>A (NM_001318860.2, NM_001318863.2); c.-135G>A (NM_001318861.2, NM_001318862.2); short protein forms E44K.
Identifiers: ClinVar variation 253066 (VCV000253066.34), dbSNP rs762550967, ClinGen allele CA1718150.